The following is an entry in ClinVar:

ClinVar aggregate classification (germline): Uncertain significance (1 of 4 stars; one submission).

Conditions:
Atrioventricular septal defect 5 (AVSD5). Identifiers: MedGen C3280939, MONDO:0013769, OMIM 614474.

Allele frequency attached by ClinVar (database versions not stated): gnomAD exomes 0.00001.

Submission:

Labcorp Genetics (formerly Invitae), Labcorp
Classification: Uncertain significance for Atrioventricular septal defect 5. Last evaluated: 2022-04-19. Review status: criteria provided, single submitter. Criteria: Invitae Variant Classification Sherloc (09022015). Collection method: clinical testing. Allele origin: germline.
Comment: In summary, the available evidence is currently insufficient to determine the role of this variant in disease. Therefore, it has been classified as a Variant of Uncertain Significance. Algorithms developed to predict the effect of missense changes on protein structure and function (SIFT, PolyPhen-2, Align-GVGD) all suggest that this variant is likely to be tolerated. This variant has not been reported in the literature in individuals affected with GATA6-related conditions. The frequency data for this variant in the population databases is considered unreliable, as metrics indicate insufficient coverage at this position in the gnomAD database. This sequence change replaces alanine, which is neutral and non-polar, with threonine, which is neutral and polar, at codon 257 of the GATA6 protein (p.Ala257Thr).

NM_005257.6(GATA6):c.769G>A (p.Ala257Thr)

Gene: GATA6 (GATA binding protein 6; plus strand). Cytogenetic location: 18q11.2.
Variant type: single nucleotide variant.
Coding change: c.769G>A on transcript NM_005257.6 (MANE Select); coding-DNA position 769, G replaced by A.
Protein change: p.Ala257Thr; replaces alanine 257 with threonine.
Molecular consequence: missense variant.
Genome position (GRCh38, 1-based): chr18:22,171,913, G>A. VCF-style: chr18-22171913-G-A. GRCh37 (hg19) VCF-style: chr18-19751874-G-A.
Other names: short protein forms A257T.
Identifiers: ClinVar variation 2119394 (VCV002119394.4), dbSNP rs2510626219, ClinGen allele CA401800726.